The following is an entry in ClinVar:

ClinVar aggregate classification (germline): Uncertain significance. Review status: criteria provided, multiple submitters, no conflicts (2 of 4 stars). 2 submissions from 2 submitters: Uncertain significance (2). Last evaluated 2025-06-27.

Conditions:
Hereditary cancer-predisposing syndrome. Also called: Neoplastic Syndromes, Hereditary; Hereditary Cancer Syndrome; Hereditary neoplastic syndrome; Tumor predisposition. Identifiers: Orphanet 140162, MedGen C0027672, MeSH D009386, MONDO:0015356.
Chuvash polycythemia. Also called: POLYCYTHEMIA, VHL-DEPENDENT. Identifiers: Orphanet 238557, MedGen C1837915, MONDO:0009892, OMIM 263400.
Von Hippel-Lindau syndrome (VHLS). Also called: VHL syndrome; Von Hippel-Lindau; von Hippel–Lindau syndrome. Identifiers: Orphanet 892, MedGen C0019562, MONDO:0008667, OMIM 193300. Disease mechanism: loss of function.

gnomAD v4.1: 1 of 1,532,776 alleles (0.000065%); highest among the groups gnomAD compares: Non-Finnish European, 0.000088%; no homozygotes.

Submissions (2):

Ambry Genetics
Classification: Uncertain significance for Hereditary cancer-predisposing syndrome. Last evaluated: 2025-06-27. Review status: criteria provided, single submitter. Criteria: Ambry Variant Classification Scheme 2023. Collection method: clinical testing. Allele origin: germline.
Comment: The p.E16V variant (also known as c.47A>T), located in coding exon 1 of the VHL gene, results from an A to T substitution at nucleotide position 47. The glutamic acid at codon 16 is replaced by valine, an amino acid with dissimilar properties. This amino acid position is well conserved on limited sequence alignment. In addition, the in silico prediction for this alteration is inconclusive. Based on the available evidence, the clinical significance of this variant remains unclear.

Labcorp Genetics (formerly Invitae), Labcorp
Classification: Uncertain significance for Von Hippel-Lindau syndrome; Chuvash polycythemia. Last evaluated: 2022-12-15. Review status: criteria provided, single submitter. Criteria: Invitae Variant Classification Sherloc (09022015). Collection method: clinical testing. Allele origin: germline.
Comment: This sequence change replaces glutamic acid, which is acidic and polar, with valine, which is neutral and non-polar, at codon 16 of the VHL protein (p.Glu16Val). This variant is not present in population databases (gnomAD no frequency). This variant has not been reported in the literature in individuals affected with VHL-related conditions. ClinVar contains an entry for this variant (Variation ID: 825185). Advanced modeling of protein sequence and biophysical properties (such as structural, functional, and spatial information, amino acid conservation, physicochemical variation, residue mobility, and thermodynamic stability) has been performed at Invitae for this missense variant, however the output from this modeling did not meet the statistical confidence thresholds required to predict the impact of this variant on VHL protein function. In summary, the available evidence is currently insufficient to determine the role of this variant in disease. Therefore, it has been classified as a Variant of Uncertain Significance.

NM_000551.4(VHL):c.47A>T (p.Glu16Val)

Gene: VHL (von Hippel-Lindau tumor suppressor; plus strand). Cytogenetic location: 3p25.3.
Variant type: single nucleotide variant.
Coding change: c.47A>T on transcript NM_000551.4 (MANE Select); coding-DNA position 47, A replaced by T.
Protein change: p.Glu16Val; replaces glutamic acid 16 with valine.
Molecular consequence: missense variant.
Genome position (GRCh38, 1-based): chr3:10,141,894, A>T. VCF-style: chr3-10141894-A-T. GRCh37 (hg19) VCF-style: chr3-10183578-A-T.
Other names: c.47A>T, p.Glu16Val (NM_001354723.2, NM_198156.3); short protein forms E16V.
Identifiers: ClinVar variation 825185 (VCV000825185.8), dbSNP rs864622379, ClinGen allele CA351747220.